The following is an entry in ClinVar:

NM_003060.4(SLC22A5):c.212_222dup (p.Arg75fs)

Gene: SLC22A5 (solute carrier family 22 member 5; plus strand). Cytogenetic location: 5q31.1.
Variant type: Duplication.
Coding change: c.212_222dup on transcript NM_003060.4 (MANE Select); coding-DNA positions 212 to 222, 11 bases duplicated (TGCGGGACGGC).
Protein change: p.Arg75fs; shifts the reading frame from arginine 75.
Molecular consequence: frameshift variant.
Genome position (GRCh38, 1-based): chr5:132,370,184-132,370,194, TGCGGGACGGC duplicated; duplicating any 11 consecutive bases within chr5:132,370,180-132,370,194 gives the same sequence; the c. name uses the placement nearest the transcript's 3' end. VCF-style (leftmost placement, unchanged base first): chr5-132370179-G-GCGGCTGCGGGA. GRCh37 (hg19) VCF-style: chr5-131705871-G-GCGGCTGCGGGA.
Other names: c.212_222dup, p.Arg75fs (NM_001308122.2); short protein forms R75fs.
Identifiers: ClinVar variation 949341 (VCV000949341.7), dbSNP rs1751843672, ClinGen allele CA1139655880.
Genomic context (GRCh38, chr5:132,370,179, plus strand): 5'-CTGCCGGGTGCCGGACGCCGCGAACCTGAGCAGCGCCTGGCGCAACCACACTGTCCCACT[G>GCGGCTGCGGGA]CGGCTGCGGGACGGCCGCGAGGTGCCCCACAGCTGCCGCCGCTACCGGCTCGCCACCATC-3'

ClinVar aggregate classification (germline): Pathogenic (1 of 4 stars; one submission).

Conditions:
Renal carnitine transport defect (CDSP). Also called: Systemic primary carnitine deficiency disease; Primary carnitine deficiency; Carnitine transporter deficiency; Carnitine Deficiency, Systemic; CARNITINE DEFICIENCY, SYSTEMIC, DUE TO DEFECT IN RENAL REABSORPTION OF CARNITINE; CARNITINE TRANSPORTER, PLASMA-MEMBRANE, DEFICIENCY OF. Identifiers: Orphanet 158, MedGen C0342788, MONDO:0008919, OMIM 212140.

Submission:

Labcorp Genetics (formerly Invitae), Labcorp
Classification: Pathogenic for Renal carnitine transport defect. Last evaluated: 2023-04-24. Review status: criteria provided, single submitter. Criteria: Invitae Variant Classification Sherloc (09022015). Collection method: clinical testing. Allele origin: germline.
Comment: ClinVar contains an entry for this variant (Variation ID: 949341). For these reasons, this variant has been classified as Pathogenic. This variant has not been reported in the literature in individuals affected with SLC22A5-related conditions. This variant is not present in population databases (gnomAD no frequency). This sequence change creates a premature translational stop signal (p.Arg75Cysfs*59) in the SLC22A5 gene. It is expected to result in an absent or disrupted protein product. Loss-of-function variants in SLC22A5 are known to be pathogenic (PMID: 9916797).

Literature cited by the submitters: PubMed 9916797.